The following is an entry in ClinVar:

NM_000492.4(CFTR):c.777del (p.Leu259_Val260insTer)

Gene: CFTR (CF transmembrane conductance regulator; plus strand). Cytogenetic location: 7q31.2.
Variant type: Deletion.
Coding change: c.777del on transcript NM_000492.4 (MANE Select); coding-DNA position 777, one base deleted (T; older notation c.777delT).
Protein change: p.Leu259_Val260insTer.
Molecular consequence: frameshift variant.
Genome position (GRCh38, 1-based): chr7:117,536,581, T deleted; the last of 2 consecutive T bases (chr7:117,536,580-117,536,581); deleting either gives the same sequence. VCF-style (leftmost placement, unchanged base first): chr7-117536579-CT-C. GRCh37 (hg19) VCF-style: chr7-117176633-CT-C.
Other names: 909delT.
Identifiers: ClinVar variation 1706055 (VCV001706055.8), dbSNP rs1660096953, ClinGen allele CA1737327081.
Genomic context (GRCh38, chr7:117,536,579, plus strand): 5'-GATTGATTGATTGATTGATTGATTTACAGAGATCAGAGAGCTGGGAAGATCAGTGAAAGA[CT>C]TGTGATTACCTCAGAAATGATTGAAAATATCCAATCTGTTAAGGCATACTGCTGGGAAGA-3'

ClinVar aggregate classification (germline): Pathogenic/Likely pathogenic. Review status: criteria provided, multiple submitters, no conflicts (2 of 4 stars). 6 submissions from 6 submitters: Pathogenic (4); Likely pathogenic (2). Last evaluated 2025-10-20.

Conditions:
Bronchiectasis with or without elevated sweat chloride 1 (BESC1). Also called: Cystic Fibrosis-Like Syndrome. Identifiers: Orphanet 60033, MedGen C2749757, MONDO:0008887, OMIM 211400.
CFTR-related disorder (CFTR-RD). Also called: CFTR-related disorders; CFTR-related condition. Identifiers: MedGen C5924204, MONDO:7770004.
Hereditary pancreatitis (PCTT). Also called: PRSS1-Related Hereditary Pancreatitis; Hereditary chronic pancreatitis. Identifiers: Orphanet 676, MedGen C0238339, MONDO:0008185, OMIM 167800.
Congenital bilateral aplasia of vas deferens from CFTR mutation (CBAVD). Identifiers: Orphanet 48, MedGen C0403814, MONDO:0010178, OMIM 277180. Disease mechanism: loss of function.
Cystic fibrosis (CF). Also called: MUCOVISCIDOSIS. Identifiers: Orphanet 586, MedGen C0010674, MONDO:0009061, OMIM 219700. Disease mechanism: loss of function.

Submissions (6):

Natera, Inc.
Classification: Pathogenic for CFTR-related disorders. Last evaluated: 2025-10-20. Review status: criteria provided, single submitter. Criteria: Natera Variant Classification Schema (03/2026). Collection method: clinical testing. Allele origin: germline.
Comment: The c.777delT variant in CFTR is a frameshift variant predicted to shift the reading frame and introduce a stop codon. This variant is expected to result in nonsense mediated decay, truncation, or a dysfunctional protein product. This variant is rare in the general population with a frequency below the threshold expected for the associated phenotype(s). This variant has been observed in one or more individuals affected with the associated recessive disease, as either homozygous or compound heterozygous with a second variant (PMID: 37867076). Given the available evidence, this variant is classified as Pathogenic.

Baylor Genetics
Classification: Pathogenic for Bronchiectasis with or without elevated sweat chloride 1. Last evaluated: 2024-02-19. Review status: criteria provided, single submitter. Criteria: ACMG Guidelines, 2015. Collection method: clinical testing. Allele origin: unknown.

Fulgent Genetics
Classification: Likely pathogenic for Hereditary pancreatitis; Bronchiectasis with or without elevated sweat chloride 1; Cystic fibrosis; Congenital bilateral aplasia of vas deferens from CFTR mutation. Last evaluated: 2024-01-08. Review status: criteria provided, single submitter. Criteria: ACMG Guidelines, 2015. Collection method: clinical testing. Allele origin: germline.

Institute of Human Genetics, University of Leipzig Medical Center
Classification: Pathogenic for Cystic fibrosis. Last evaluated: 2023-07-26. Review status: criteria provided, single submitter. Criteria: ACMG Guidelines, 2015. Collection method: curation. Allele origin: unknown. Affected: yes. Observed: 1 variant allele.
Comment: This variant was classified based on the report of 1 patient with a clinically confirmed diagnosis of cystic fibrosis in the context of re-classifying variants in the German Cystic Fibrosis Registry (Muko e.V.). Patients have not been seen personally, but only reports were evaluated. Criteria applied:PVS1, PM2_SUP, PP4

Ambry Genetics
Classification: Pathogenic for Cystic fibrosis. Last evaluated: 2023-01-23. Review status: criteria provided, single submitter. Criteria: Ambry General Variant Classification Scheme_2022. Collection method: clinical testing. Allele origin: germline.
Comment: The c.777delT pathogenic mutation (also known as p.V260*), located in coding exon 7 of the CFTR gene, results from a deletion of one nucleotide at nucleotide position 777. This changes the amino acid from a valine to a stop codon within coding exon 7. This variant is considered to be rare based on population cohorts in the Genome Aggregation Database (gnomAD). This alteration is expected to result in loss of function by premature protein truncation or nonsense-mediated mRNA decay. As such, this alteration is interpreted as a disease-causing mutation.

Blueprint Genetics
Classification: Likely pathogenic for CFTR-related disorders. Last evaluated: 2022-10-11. Review status: criteria provided, single submitter. Criteria: ACMG Guidelines, 2015. Collection method: clinical testing. Allele origin: germline. Affected: yes. Observed: 1 variant allele.

Literature cited by the submitters: PubMed 37867076 (cited by Natera, Inc.).